The following is an entry in ClinVar:

NM_001160148.2(DDHD1):c.383C>G (p.Thr128Arg)

Gene: DDHD1 (DDHD domain containing 1; minus strand). Cytogenetic location: 14q22.1.
Variant type: single nucleotide variant.
Coding change: c.383C>G on transcript NM_001160148.2 (MANE Select); coding-DNA position 383, C replaced by G.
Protein change: p.Thr128Arg; replaces threonine 128 with arginine.
Molecular consequence: missense variant.
Genome position (GRCh38, 1-based): chr14:53,152,716, G>C on the plus strand (C>G on the coding strand, the complement: DDHD1 is on the minus strand). VCF-style: chr14-53152716-G-C. GRCh37 (hg19) VCF-style: chr14-53619434-G-C.
Other names: c.383C>G, p.Thr128Arg (NM_001160147.2, NM_030637.3); short protein forms T128R.
Identifiers: ClinVar variation 1389416 (VCV001389416.6), dbSNP rs769034450, ClinGen allele CA389780961.

ClinVar aggregate classification (germline): Uncertain significance (1 of 4 stars; one submission).

Conditions:
Hereditary spastic paraplegia 28. Also called: Spastic paraplegia 28, autosomal recessive. Identifiers: Orphanet 101008, MedGen C1836295, MONDO:0012256, OMIM 609340.

gnomAD v4.1: 1 of 1,606,868 alleles (0.000062%); highest among the groups gnomAD compares: Non-Finnish European, 0.000085%; no homozygotes.

Submission:

Labcorp Genetics (formerly Invitae), Labcorp
Classification: Uncertain significance for Hereditary spastic paraplegia 28. Last evaluated: 2021-10-25. Review status: criteria provided, single submitter. Criteria: Invitae Variant Classification Sherloc (09022015). Collection method: clinical testing. Allele origin: germline.
Comment: In summary, the available evidence is currently insufficient to determine the role of this variant in disease. Therefore, it has been classified as a Variant of Uncertain Significance. Algorithms developed to predict the effect of missense changes on protein structure and function (SIFT, PolyPhen-2, Align-GVGD) all suggest that this variant is likely to be tolerated. This variant has not been reported in the literature in individuals affected with DDHD1-related conditions. This variant is not present in population databases (ExAC no frequency). This sequence change replaces threonine with arginine at codon 128 of the DDHD1 protein (p.Thr128Arg). The threonine residue is weakly conserved and there is a moderate physicochemical difference between threonine and arginine.